The following is an entry in ClinVar:

ClinVar aggregate classification (germline): Uncertain significance (1 of 4 stars; one submission).

Submission:

Labcorp Genetics (formerly Invitae), Labcorp
Classification: Uncertain significance. Last evaluated: 2020-10-27. Review status: criteria provided, single submitter. Criteria: Invitae Variant Classification Sherloc (09022015). Collection method: clinical testing. Allele origin: germline.
Comment: Algorithms developed to predict the effect of missense changes on protein structure and function (SIFT, PolyPhen-2, Align-GVGD) all suggest that this variant is likely to be tolerated, but these predictions have not been confirmed by published functional studies and their clinical significance is uncertain. This variant has not been reported in the literature in individuals with SNX10-related conditions. This variant is not present in population databases (ExAC no frequency). This sequence change replaces tryptophan with cysteine at codon 14 of the SNX10 protein (p.Trp14Cys). The tryptophan residue is moderately conserved and there is a large physicochemical difference between tryptophan and cysteine. In summary, the available evidence is currently insufficient to determine the role of this variant in disease. Therefore, it has been classified as a Variant of Uncertain Significance.

NM_013322.3(SNX10):c.42G>T (p.Trp14Cys)

Gene: SNX10 (sorting nexin 10; plus strand). Cytogenetic location: 7p15.2.
Variant type: single nucleotide variant.
Coding change: c.42G>T on transcript NM_013322.3 (MANE Select); coding-DNA position 42, G replaced by T.
Protein change: p.Trp14Cys; replaces tryptophan 14 with cysteine.
Molecular consequence: missense variant.
Genome position (GRCh38, 1-based): chr7:26,360,992, G>T. VCF-style: chr7-26360992-G-T. GRCh37 (hg19) VCF-style: chr7-26400612-G-T.
Other names: c.42G>T, p.Trp14Cys (NM_001199835.1, NM_001318199.3); c.33G>T, p.Trp11Cys (NM_001199837.3); c.120G>T, p.Trp40Cys (NM_001318198.1, NM_001362753.1, NM_001362754.1); short protein forms W14C, W40C, W11C.
Identifiers: ClinVar variation 1461709 (VCV001461709.8), dbSNP rs767247872, ClinGen allele CA367227836.
Genomic context (GRCh38, chr7:26,360,992, plus strand): 5'-TGCAGTTCTGAAGAATATTTCTTTGTTTATGATGCCATTACAGGAATTTGTAAGTGTCTG[G>T]GTTCGAGATCCTAGGATTCAGAAGGAGGACTTCTGGCATTCTTACATTGACTATGAGATA-3'
Protein context (NP_037454.2, residues 4-24): EQQKEEFVSV[Trp14Cys]VRDPRIQKED